The following is an entry in ClinVar:

ClinVar aggregate classification (germline): Uncertain significance (1 of 4 stars; one submission).

Conditions:
Perlman syndrome (PRLMNS). Identifiers: Orphanet 2849, MedGen C0796113, MONDO:0009965, OMIM 267000.

Submission:

Labcorp Genetics (formerly Invitae), Labcorp
Classification: Uncertain significance for Perlman syndrome. Last evaluated: 2024-04-29. Review status: criteria provided, single submitter. Criteria: Invitae Variant Classification Sherloc (09022015). Collection method: clinical testing. Allele origin: germline.
Comment: This sequence change replaces arginine, which is basic and polar, with lysine, which is basic and polar, at codon 40 of the DIS3L2 protein (p.Arg40Lys). This variant is not present in population databases (gnomAD no frequency). This variant has not been reported in the literature in individuals affected with DIS3L2-related conditions. ClinVar contains an entry for this variant (Variation ID: 947878). Algorithms developed to predict the effect of missense changes on protein structure and function output the following: SIFT: "Not Available"; PolyPhen-2: "Benign"; Align-GVGD: "Not Available". The lysine amino acid residue is found in multiple mammalian species, which suggests that this missense change does not adversely affect protein function. In summary, the available evidence is currently insufficient to determine the role of this variant in disease. Therefore, it has been classified as a Variant of Uncertain Significance.

NM_152383.5(DIS3L2):c.119G>A (p.Arg40Lys)

Gene: DIS3L2 (DIS3 like 3'-5' exoribonuclease 2; plus strand). Cytogenetic location: 2q37.1.
Variant type: single nucleotide variant.
Coding change: c.119G>A on transcript NM_152383.5 (MANE Select); coding-DNA position 119, G replaced by A.
Protein change: p.Arg40Lys; replaces arginine 40 with lysine.
Molecular consequence: missense variant. On other transcripts: non-coding transcript variant (2).
Genome position (GRCh38, 1-based): chr2:232,015,580, G>A. VCF-style: chr2-232015580-G-A. GRCh37 (hg19) VCF-style: chr2-232880290-G-A.
Other names: c.119G>A, p.Arg40Lys (NM_001257281.2, NM_001257282.2); short protein forms R40K.
Identifiers: ClinVar variation 947878 (VCV000947878.9), dbSNP rs1694331205, ClinGen allele CA351151939.